The following is an entry in ClinVar:

NM_000093.5(COL5A1):c.467G>A (p.Arg156Gln)

Gene: COL5A1 (collagen type V alpha 1 chain; plus strand). Cytogenetic location: 9q34.3.
Variant type: single nucleotide variant.
Coding change: c.467G>A on transcript NM_000093.5 (MANE Select); coding-DNA position 467, G replaced by A.
Protein change: p.Arg156Gln; replaces arginine 156 with glutamine.
Molecular consequence: missense variant.
Genome position (GRCh38, 1-based): chr9:134,700,098, G>A. VCF-style: chr9-134700098-G-A. GRCh37 (hg19) VCF-style: chr9-137591944-G-A.
Other names: c.467G>A, p.Arg156Gln (NM_001278074.1); short protein forms R156Q.
Identifiers: ClinVar variation 426449 (VCV000426449.14), dbSNP rs770896795, ClinGen allele CA5318308.

ClinVar aggregate classification (germline): Benign/Likely benign. Review status: criteria provided, multiple submitters, no conflicts (2 of 4 stars). 3 submissions from 3 submitters: Benign (1); Likely benign (2). Last evaluated 2026-08-08.

Conditions:
Ehlers-Danlos syndrome, classic type, 1 (EDSCL1). Also called: Ehlers-Danlos Syndrome, Classic Type, COL5A1-Related; EHLERS-DANLOS SYNDROME, GRAVIS TYPE; EHLERS-DANLOS SYNDROME, SEVERE CLASSIC TYPE; EDS I; Ehlers-Danlos syndrome, type 1. Identifiers: MedGen C0268335, MONDO:0019567, OMIM 130000.
COL5A1-related disorder. Also called: COL5A1-related condition.

Allele frequency attached by ClinVar (database versions not stated): ExAC 0.00002; gnomAD exomes 0.00002 and 0.00003; gnomAD 0.00007; TOPMed 0.00010.
gnomAD v4.1: 50 of 1,607,954 alleles (0.0031%); highest among the groups gnomAD compares: Middle Eastern, 0.033%; no homozygotes.

Submissions (3):

PreventionGenetics, part of Exact Sciences
Classification: Likely benign for COL5A1-related condition. Last evaluated: 2026-08-08. Review status: criteria provided, single submitter. Criteria: ACMG Guidelines, 2015. Collection method: clinical testing. Allele origin: germline.
Comment: This variant is classified as likely benign based on ACMG/AMP sequence variant interpretation guidelines (Richards et al. 2015 PMID: 25741868, with internal and published modifications).

Labcorp Genetics (formerly Invitae), Labcorp
Classification: Benign for Ehlers-Danlos syndrome, classic type, 1. Last evaluated: 2025-11-25. Review status: criteria provided, single submitter. Criteria: Invitae Variant Classification Sherloc (09022015). Collection method: clinical testing. Allele origin: germline.

GeneDx
Classification: Likely benign. Last evaluated: 2021-02-22. Review status: criteria provided, single submitter. Criteria: GeneDx Variant Classification Process June 2021. Collection method: clinical testing. Allele origin: germline. Affected: yes.
Comment: Has not been previously published as pathogenic or benign to our knowledge; Not located in the triple helical region, where the majority of pathogenic missense variants occur (Symoens et al., 2012; Stenson et al., 2014); In silico analysis, which includes protein predictors and evolutionary conservation, supports that this variant does not alter protein structure/function